The following is an entry in ClinVar:

ClinVar aggregate classification (germline): Pathogenic. Review status: reviewed by expert panel (3 of 4 stars). 10 submissions from 10 submitters: Pathogenic (1). 9 of the submissions do not count toward it. Last evaluated 2020-02-14.

Conditions:
Glycogen storage disease, type II (IOPD). Also called: CARDIOMEGALIA GLYCOGENICA DIFFUSA; GLYCOGENOSIS, GENERALIZED, CARDIAC FORM; GSD II; Pompe Disease; Glycogen storage disease type 2; Acid maltase deficiency disease. Identifiers: Orphanet 365, MedGen C0017921, MONDO:0009290, OMIM 232300.

Submissions (10):

ClinGen Lysosomal Storage Disorder Variant Curation Expert Panel
Classification: Pathogenic for Glycogen storage disease, type II. Last evaluated: 2020-02-14. Review status: reviewed by expert panel. Criteria: ClinGen LSD ACMG Specifications v1. Collection method: curation. Allele origin: germline. Inheritance: Autosomal recessive inheritance.
Comment: This variant, c.2140delC (p.His714Thrfs), is a frameshift variant that is predicted to result in a premature termination codon, nonsense mediated decay, and no gene product. Therefore, PVS1 can be applied. The variant is absent in gnomAD v2.1.1, meeting PM2. This variant has been reported in two patients who also carry a second variant in GAA. One of these cases meets the ClinGen LSD VCEP's specifications for PP4 and is compound heterozygous for p.His714Thrfs and a missense variant, c.1561G>A (p.Glu521Lys); the phase is unknown (PMID 17723315). The in trans data from this patient will be used in the assessment of p.Glu521Lys and, therefore, was not included here in order to avoid circular logic. The second case is compound heterozygous for the variant and c.-32-13T>G (PMID 30564623) but the GAA activity was not reported and PP4 cannot be assessed. There is a ClinVar entry for this variant (Variation ID: 188904, 2 star review status) with 2 submtters classifying the variant as pathogenic and one as likely pathogenic. In summary, this variant meets the criteria to be classified as pathogenic for Pompe disease. GAA-specific ACMG/AMP criteria applied, as specified by the ClinGen LSD VCEP: PVS1, PM2, PP4.

Genomenon, Inc
Classification: Pathogenic for Glycogen storage disease, type II. Last evaluated: 2026-07-01. Review status: criteria provided, single submitter. Criteria: Genomenon Sequence Variant Interpretation Standards - Updated. Collection method: curation. Allele origin: germline. Affected: yes. Not counted in ClinVar's aggregate classification.
Comment: GAA p.His714ThrfsTer50 (c.2140del) is a frameshift variant that is predicted to introduce a premature termination codon and result in a truncated or absent protein product. This variant has been observed in at least one proband with a GAA-related disorder (PMID:37087815;17723315). It is absent or not present at a significant frequency in gnomAD. In conclusion, we classify GAA p.His714ThrfsTer50 (c.2140del) as a pathogenic variant.

GeneDx
Classification: Pathogenic. Last evaluated: 2025-04-28. Review status: criteria provided, single submitter. Criteria: GeneDx Variant Classification Process June 2021. Collection method: clinical testing. Allele origin: germline. Affected: yes. Not counted in ClinVar's aggregate classification.
Comment: Frameshift variant predicted to result in protein truncation or nonsense mediated decay in a gene for which loss of function is a known mechanism of disease; Not observed at significant frequency in large population cohorts (gnomAD); This variant is associated with the following publications: (PMID: 17723315)

Revvity Omics, Revvity
Classification: Pathogenic. Last evaluated: 2024-08-19. Review status: criteria provided, single submitter. Criteria: ACMG Guidelines, 2015. Collection method: clinical testing. Allele origin: germline. Not counted in ClinVar's aggregate classification.

Baylor Genetics
Classification: Pathogenic for Glycogen storage disease, type II. Last evaluated: 2023-05-24. Review status: criteria provided, single submitter. Criteria: ACMG Guidelines, 2015. Collection method: clinical testing. Allele origin: unknown. Not counted in ClinVar's aggregate classification.

Labcorp Genetics (formerly Invitae), Labcorp
Classification: Pathogenic for Glycogen storage disease, type II. Last evaluated: 2022-08-05. Review status: criteria provided, single submitter. Criteria: Invitae Variant Classification Sherloc (09022015). Collection method: clinical testing. Allele origin: germline. Not counted in ClinVar's aggregate classification.
Comment: For these reasons, this variant has been classified as Pathogenic. ClinVar contains an entry for this variant (Variation ID: 188904). This premature translational stop signal has been observed in individual(s) with Pompe disease (PMID: 17723315). This variant is not present in population databases (gnomAD no frequency). This sequence change creates a premature translational stop signal (p.His714Thrfs*50) in the GAA gene. It is expected to result in an absent or disrupted protein product. Loss-of-function variants in GAA are known to be pathogenic (PMID: 18425781, 22252923).

Women's Health and Genetics/Laboratory Corporation of America, LabCorp
Classification: Pathogenic for Glycogen storage disease, type II. Last evaluated: 2020-08-17. Review status: criteria provided, single submitter. Criteria: LabCorp Variant Classification Summary - May 2015. Collection method: clinical testing. Allele origin: germline. Not counted in ClinVar's aggregate classification.
Comment: Variant summary: GAA c.2140delC (p.His714ThrfsX50) results in a premature termination codon, predicted to cause a truncation of the encoded protein or absence of the protein due to nonsense mediated decay, which are commonly known mechanisms for disease. Truncations downstream of this position have been classified as pathogenic by our laboratory. The variant was absent in 223082 control chromosomes. c.2140delC has been reported in the literature in individuals affected with Glycogen Storage Disease, Type 2 (Pompe Disease, McCready_2007, Nallamilli_2018). To our knowledge, no experimental evidence demonstrating an impact on protein function has been reported. Three clinical diagnostic laboratories have submitted clinical-significance assessments for this variant to ClinVar after 2014 without evidence for independent evaluation. All laboratories classified the variant as pathogenic. Based on the evidence outlined above, the variant was classified as pathogenic.

Eurofins Ntd Llc (ga)
Classification: Pathogenic. Last evaluated: 2015-08-12. Review status: criteria provided, single submitter. Criteria: EGL Classification Definitions 2015. Collection method: clinical testing. Allele origin: germline. Observed: 2 variant alleles, 2 heterozygotes. Not counted in ClinVar's aggregate classification.

Natera, Inc.
Classification: Pathogenic for Glycogen storage disease type II. Last evaluated: 2021-05-10. Review status: no assertion criteria provided. Collection method: clinical testing. Allele origin: germline. Not counted in ClinVar's aggregate classification.

Counsyl
Classification: Likely pathogenic for Glycogen storage disease, type II. Last evaluated: 2014-07-25. Review status: no assertion criteria provided. Collection method: literature only. Allele origin: unknown. Inheritance: Autosomal recessive inheritance. Not counted in ClinVar's aggregate classification.

Literature cited by the submitters: PubMed 17723315 (cited by 5 submitters); PubMed 37087815 (cited by Genomenon, Inc); PubMed 18425781 (cited by Labcorp Genetics (formerly Invitae), Labcorp); PubMed 22252923 (cited by Labcorp Genetics (formerly Invitae), Labcorp); PubMed 30564623 (cited by Women's Health and Genetics/Laboratory Corporation of America, LabCorp).

NM_000152.5(GAA):c.2140del (p.His714fs)

Gene: GAA (alpha glucosidase; plus strand). Cytogenetic location: 17q25.3.
Variant type: Deletion.
Coding change: c.2140del on transcript NM_000152.5 (MANE Select); coding-DNA position 2140, one base deleted (C; older notation c.2140delC).
Protein change: p.His714fs; shifts the reading frame from histidine 714.
Molecular consequence: frameshift variant.
Genome position (GRCh38, 1-based): chr17:80,113,317, C deleted; the last of 2 consecutive C bases (chr17:80,113,316-80,113,317); deleting either gives the same sequence. VCF-style (leftmost placement, unchanged base first): chr17-80113315-TC-T. GRCh37 (hg19) VCF-style: chr17-78087114-TC-T.
Other names: c.2140del (LRG_673t1); c.2140del, p.His714fs (NM_001079803.3, NM_001079804.3); c.2140delC (NM_000152.3); short protein forms H714fs.
Identifiers: ClinVar variation 188904 (VCV000188904.28), dbSNP rs786204549, ClinGen allele CA274107.